The following is an entry in ClinVar:

NM_182961.4(SYNE1):c.24212G>A (p.Arg8071His)

Gene: SYNE1 (spectrin repeat containing nuclear envelope protein 1; minus strand). Cytogenetic location: 6q25.2.
Variant type: single nucleotide variant.
Coding change: c.24212G>A on transcript NM_182961.4 (MANE Select); coding-DNA position 24212, G replaced by A.
Protein change: p.Arg8071His; replaces arginine 8071 with histidine.
Molecular consequence: missense variant.
Genome position (GRCh38, 1-based): chr6:152,152,059, C>T on the plus strand (G>A on the coding strand, the complement: SYNE1 is on the minus strand). VCF-style: chr6-152152059-C-T. GRCh37 (hg19) VCF-style: chr6-152473194-C-T.
Other names: c.818G>A, p.Arg273His (NM_001347701.2); c.677G>A, p.Arg226His (NM_001347702.2); c.23999G>A, p.Arg8000His (NM_033071.5); c.23999G>A (NM_033071.3); short protein forms R273H, R226H, R8000H, R8071H.
Identifiers: ClinVar variation 1480306 (VCV001480306.9), dbSNP rs1338634888, ClinGen allele CA366087040.
Genomic context (GRCh38, chr6:152,152,059, plus strand): 5'-TTGTCCCATCTCTGGTTGCCTTCGTGAACCATCTGTTTGAGGCTACATGCTGAATCAGTG[C>T]GGTTCTCCCTGGCCAGGCGGCGGTACTGCTTGTTGATCAGTTCCAGCTGCGTCAGGCACT-3'
Protein context (NP_892006.3, residues 8061-8081): KQYRRLAREN[Arg8071His]TDSACSLKQM

ClinVar aggregate classification (germline): Uncertain significance. Review status: criteria provided, multiple submitters, no conflicts (2 of 4 stars). 2 submissions from 2 submitters: Uncertain significance (2). Last evaluated 2024-10-08.

Conditions:
Autosomal recessive ataxia, Beauce type. Also called: SYNE1-Related Autosomal Recessive Cerebellar Ataxia; Spinocerebellar ataxia, autosomal recessive 8; ATAXIA, RECESSIVE, OF BEAUCE; SYNE1 Deficiency. Identifiers: Orphanet 88644, MedGen C1853116, MONDO:0012549, OMIM 610743.
Emery-Dreifuss muscular dystrophy 4, autosomal dominant (EDMD4). Also called: EMERY-DREIFUSS MUSCULAR DYSTROPHY 4 WITH VARIABLE FEATURES. Identifiers: Orphanet 261, MedGen C2751807, MONDO:0013071, OMIM 612998.

Allele frequency attached by ClinVar (database versions not stated): gnomAD 0.00001; gnomAD exomes 0.00001 and 0.00002.
gnomAD v4.1: 13 of 1,614,066 alleles (0.00081%); highest among the groups gnomAD compares: African/African-American, 0.0027%; no homozygotes.

Submissions (2):

Labcorp Genetics (formerly Invitae), Labcorp
Classification: Uncertain significance for Emery-Dreifuss muscular dystrophy 4, autosomal dominant; Autosomal recessive ataxia, Beauce type. Last evaluated: 2024-10-08. Review status: criteria provided, single submitter. Criteria: Invitae Variant Classification Sherloc (09022015). Collection method: clinical testing. Allele origin: germline.
Comment: This sequence change replaces arginine, which is basic and polar, with histidine, which is basic and polar, at codon 8000 of the SYNE1 protein (p.Arg8000His). This variant is present in population databases (no rsID available, gnomAD 0.003%). This missense change has been observed in individual(s) with benign essential blepharospasm (PMID: 32038460). ClinVar contains an entry for this variant (Variation ID: 1480306). An algorithm developed to predict the effect of missense changes on protein structure and function (PolyPhen-2) suggests that this variant is likely to be disruptive. In summary, the available evidence is currently insufficient to determine the role of this variant in disease. Therefore, it has been classified as a Variant of Uncertain Significance.

Revvity Omics, Revvity
Classification: Uncertain significance. Last evaluated: 2021-05-17. Review status: criteria provided, single submitter. Criteria: ACMG Guidelines, 2015. Collection method: clinical testing. Allele origin: germline.

Literature cited by the submitters: PubMed 32038460 (cited by Labcorp Genetics (formerly Invitae), Labcorp).